The following is an entry in ClinVar:

ClinVar aggregate classification (germline): Uncertain significance (1 of 4 stars; one submission).

gnomAD v4.1: 1 of 1,608,580 alleles (0.000062%); highest among the groups gnomAD compares: Non-Finnish European, 0.000085%; no homozygotes.

Submission:

Labcorp Genetics (formerly Invitae), Labcorp
Classification: Uncertain significance. Last evaluated: 2022-10-04. Review status: criteria provided, single submitter. Criteria: Invitae Variant Classification Sherloc (09022015). Collection method: clinical testing. Allele origin: germline.
Comment: Algorithms developed to predict the effect of sequence changes on RNA splicing suggest that this variant may disrupt the consensus splice site. Algorithms developed to predict the effect of missense changes on protein structure and function (SIFT, PolyPhen-2, Align-GVGD) all suggest that this variant is likely to be tolerated. ClinVar contains an entry for this variant (Variation ID: 856632). This variant has not been reported in the literature in individuals affected with FH-related conditions. This variant is not present in population databases (gnomAD no frequency). This sequence change replaces arginine, which is basic and polar, with threonine, which is neutral and polar, at codon 421 of the FH protein (p.Arg421Thr). In summary, the available evidence is currently insufficient to determine the role of this variant in disease. Therefore, it has been classified as a Variant of Uncertain Significance.

NM_000143.4(FH):c.1262G>C (p.Arg421Thr)

Gene: FH (fumarate hydratase; minus strand). Cytogenetic location: 1q43.
Variant type: single nucleotide variant.
Coding change: c.1262G>C on transcript NM_000143.4 (MANE Select); coding-DNA position 1262, G replaced by C.
Protein change: p.Arg421Thr; replaces arginine 421 with threonine.
Molecular consequence: missense variant.
Genome position (GRCh38, 1-based): chr1:241,500,565, C>G on the plus strand (G>C on the coding strand, the complement: FH is on the minus strand). VCF-style: chr1-241500565-C-G. GRCh37 (hg19) VCF-style: chr1-241663865-C-G.
Other names: short protein forms R421T.
Identifiers: ClinVar variation 856632 (VCV000856632.48), dbSNP rs1659747962, ClinGen allele CA345436855.